The following is an entry in ClinVar:

NM_001042545.2(LTBP4):c.2077C>A (p.Pro693Thr)

Gene: LTBP4 (latent transforming growth factor beta binding protein 4; plus strand). Cytogenetic location: 19q13.2.
Variant type: single nucleotide variant.
Coding change: c.2077C>A on transcript NM_001042545.2 (MANE Select); coding-DNA position 2077, C replaced by A.
Protein change: p.Pro693Thr; replaces proline 693 with threonine.
Molecular consequence: missense variant.
Genome position (GRCh38, 1-based): chr19:40,611,882, C>A. VCF-style: chr19-40611882-C-A. GRCh37 (hg19) VCF-style: chr19-41117788-C-A.
Other names: c.2278C>A, p.Pro760Thr (NM_001042544.1); c.2167C>A, p.Pro723Thr (NM_003573.2); short protein forms P693T, P723T, P760T.
Identifiers: ClinVar variation 1200862 (VCV001200862.4), dbSNP rs1368858493, ClinGen allele CA405938110.

ClinVar aggregate classification (germline): Uncertain significance (1 of 4 stars; one submission).

Allele frequency attached by ClinVar (database versions not stated): gnomAD exomes 0.00001.
gnomAD v4.1: 10 of 1,608,412 alleles (0.00062%); highest among the groups gnomAD compares: Non-Finnish European, 0.00085%; no homozygotes.

Submission:

GeneDx
Classification: Uncertain significance. Last evaluated: 2024-05-14. Review status: criteria provided, single submitter. Criteria: GeneDx Variant Classification Process June 2021. Collection method: clinical testing. Allele origin: germline. Affected: yes.
Comment: Not observed at significant frequency in large population cohorts (gnomAD); In silico analysis supports that this missense variant has a deleterious effect on protein structure/function; Has not been previously published as pathogenic or benign to our knowledge